The following is an entry in ClinVar:

ClinVar aggregate classification (germline): Pathogenic/Likely pathogenic. Review status: criteria provided, multiple submitters, no conflicts (2 of 4 stars). 5 submissions from 5 submitters: Pathogenic (1); Likely pathogenic (1). 3 of the submissions do not count toward it. Last evaluated 2026-01-28.

Conditions:
Inborn genetic diseases. Identifiers: MedGen C0950123, MeSH D030342.
Neutropenia, severe congenital, 8, autosomal dominant. Also called: NEUTROPENIA, SEVERE CONGENITAL, 8, AUTOSOMAL DOMINANT, WITH OR WITHOUT PANCREATIC DYSFUNCTION AND/OR NEUROLOGIC ABNORMALITIES; SHWACHMAN-DIAMOND SYNDROME-LIKE. Identifiers: Orphanet 675767, MedGen C5203411, MONDO:0032899, OMIM 618752.
Shwachman-Diamond syndrome 1 (SDS1). Also called: LIPOMATOSIS OF PANCREAS, CONGENITAL. Identifiers: MedGen C4692625, MONDO:0044204, OMIM 260400.

Submissions (5):

Labcorp Genetics (formerly Invitae), Labcorp
Classification: Pathogenic. Last evaluated: 2026-01-28. Review status: criteria provided, single submitter. Criteria: Invitae Variant Classification Sherloc (09022015). Collection method: clinical testing. Allele origin: germline.
Comment: This sequence change replaces glycine, which is neutral and non-polar, with glutamic acid, which is acidic and polar, at codon 226 of the SRP54 protein (p.Gly226Glu). This variant is not present in population databases (gnomAD no frequency). This missense change has been observed in individual(s) with clinical features of SRP54 related conditions (PMID: 28972538). In at least one individual the variant was observed to be de novo. ClinVar contains an entry for this variant (Variation ID: 430850). Invitae Evidence Modeling of protein sequence and biophysical properties (such as structural, functional, and spatial information, amino acid conservation, physicochemical variation, residue mobility, and thermodynamic stability) indicates that this missense variant is expected to disrupt SRP54 protein function with a positive predictive value of 80%. Experimental studies have shown that this missense change affects SRP54 function (PMID: 28972538). For these reasons, this variant has been classified as Pathogenic.

Ambry Genetics
Classification: Likely pathogenic for Inborn genetic diseases. Last evaluated: 2017-12-08. Review status: criteria provided, single submitter. Criteria: Ambry exome assertion method (8-5-2015). Collection method: clinical testing. Allele origin: germline. Affected: yes. Observed: 1 variant allele.

OMIM
Classification: Pathogenic for NEUTROPENIA, SEVERE CONGENITAL, 8, AUTOSOMAL DOMINANT. Last evaluated: 2020-01-31. Review status: no assertion criteria provided. Collection method: literature only. Allele origin: germline. Not counted in ClinVar's aggregate classification.

Molecular ImmunoRheumatology UMRS_1109, Institut national de la santé et de la recherche médicale
Classification: Pathogenic for Shwachman-Diamond syndrome 1. Last evaluated: 2017-07-14. Review status: no assertion criteria provided. Collection method: research. Allele origin: de novo. Affected: yes. Not counted in ClinVar's aggregate classification.

GeneReviews
No classification provided. Condition: Neutropenia, severe congenital, 8, autosomal dominant. Review status: no classification provided. Collection method: literature only. Allele origin: germline. Not counted in ClinVar's aggregate classification.

Literature cited by the submitters: PubMed 28972538 (cited by 5 submitters); PubMed 29914977 (cited by OMIM).

NM_003136.4(SRP54):c.677G>A (p.Gly226Glu)

Gene: SRP54 (signal recognition particle 54; plus strand). Cytogenetic location: 14q13.2.
Variant type: single nucleotide variant.
Coding change: c.677G>A on transcript NM_003136.4 (MANE Select); coding-DNA position 677, G replaced by A.
Protein change: p.Gly226Glu; replaces glycine 226 with glutamic acid.
Molecular consequence: missense variant.
Genome position (GRCh38, 1-based): chr14:35,013,386, G>A. VCF-style: chr14-35013386-G-A. GRCh37 (hg19) VCF-style: chr14-35482592-G-A.
Other names: c.530G>A, p.Gly177Glu (NM_001146282.2); short protein forms G226E, G177E.
Identifiers: ClinVar variation 430850 (VCV000430850.7), dbSNP rs1555354750, ClinGen allele CA389443030.